The following is an entry in ClinVar:

NM_001367823.1(ARHGEF18):c.3908C>A (p.Pro1303Gln)

Gene: ARHGEF18 (Rho/Rac guanine nucleotide exchange factor 18; plus strand). Cytogenetic location: 19p13.2.
Variant type: single nucleotide variant.
Coding change: c.3908C>A on transcript NM_001367823.1 (MANE Select); coding-DNA position 3908, C replaced by A.
Protein change: p.Pro1303Gln; replaces proline 1303 with glutamine.
Molecular consequence: missense variant.
Genome position (GRCh38, 1-based): chr19:7,470,024, C>A. VCF-style: chr19-7470024-C-A. GRCh37 (hg19) VCF-style: chr19-7534910-C-A.
Other names: c.3182C>A, p.Pro1061Gln (NM_001130955.2); c.2870C>A, p.Pro957Gln (NM_001367824.1, NM_015318.4); short protein forms P1061Q, P1303Q, P957Q.
Identifiers: ClinVar variation 860871 (VCV000860871.8), dbSNP rs145000592, ClinGen allele CA9137281.

ClinVar aggregate classification (germline): Uncertain significance. Review status: criteria provided, multiple submitters, no conflicts (2 of 4 stars). 2 submissions from 2 submitters: Uncertain significance (2). Last evaluated 2025-02-28.

Conditions:
Inborn genetic diseases. Identifiers: MedGen C0950123, MeSH D030342.

Allele frequency attached by ClinVar (database versions not stated): ExAC 0.00002; ESP Exome Variant Server 0.00008.
gnomAD v4.1: 6 of 1,612,660 alleles (0.00037%); highest among the groups gnomAD compares: African/African-American, 0.008%; no homozygotes.

Submissions (2):

Ambry Genetics
Classification: Uncertain significance for Inborn genetic diseases. Last evaluated: 2025-02-28. Review status: criteria provided, single submitter. Criteria: Ambry Variant Classification Scheme 2023. Collection method: clinical testing. Allele origin: germline.

Labcorp Genetics (formerly Invitae), Labcorp
Classification: Uncertain significance. Last evaluated: 2024-12-09. Review status: criteria provided, single submitter. Criteria: Invitae Variant Classification Sherloc (09022015). Collection method: clinical testing. Allele origin: germline.
Comment: This sequence change replaces proline, which is neutral and non-polar, with glutamine, which is neutral and polar, at codon 1115 of the ARHGEF18 protein (p.Pro1115Gln). This variant is present in population databases (rs145000592, gnomAD 0.03%). This variant has not been reported in the literature in individuals affected with ARHGEF18-related conditions. ClinVar contains an entry for this variant (Variation ID: 860871). An algorithm developed to predict the effect of missense changes on protein structure and function (PolyPhen-2) suggests that this variant is likely to be tolerated. In summary, the available evidence is currently insufficient to determine the role of this variant in disease. Therefore, it has been classified as a Variant of Uncertain Significance.